The following is an entry in ClinVar:

ClinVar aggregate classification (germline): Pathogenic (1 of 4 stars; one submission).

Conditions:
LAMA2-related muscular dystrophy (LAMA2-RD). Also called: Laminin alpha 2-related dystrophy. Identifiers: MedGen C5679788, MONDO:0100228.

Submission:

Myriad Genetics, Inc.
Classification: Pathogenic for LAMA2-related muscular dystrophy. Last evaluated: 2023-09-27. Review status: criteria provided, single submitter. Criteria: Myriad Autosomal Dominant, Autosomal Recessive and X-Linked Classification Criteria (2023). Collection method: clinical testing. Allele origin: unknown.
Comment: NM_000426.3(LAMA2):c.8097dupT(V2700Cfs*7) is expected to be pathogenic in the context of muscular dystrophy, LAMA2-related. This variant is predicted to lead to an abnormal or absent protein product due to the creation of a premature termination codon in LAMA2, a gene where loss-of-function variants are known to be pathogenic. Please note: this variant was assessed in the context of healthy population screening.

NM_000426.4(LAMA2):c.8097dup (p.Val2700fs)

Gene: LAMA2 (laminin subunit alpha 2; plus strand). Cytogenetic location: 6q22.33.
Variant type: Duplication.
Coding change: c.8097dup on transcript NM_000426.4 (MANE Select); coding-DNA position 8097, one base duplicated (T; older notation c.8097dupT).
Protein change: p.Val2700fs; shifts the reading frame from valine 2700.
Molecular consequence: frameshift variant.
Genome position (GRCh38, 1-based): chr6:129,492,336, T duplicated. VCF-style (leftmost placement, unchanged base first): chr6-129492335-C-CT. GRCh37 (hg19) VCF-style: chr6-129813480-C-CT.
Other names: c.8085dup, p.Val2696fs (NM_001079823.2); short protein forms V2696fs, V2700fs.
Identifiers: ClinVar variation 5012065 (VCV005012065.1).